The following is an entry in ClinVar:

ClinVar aggregate classification (germline): Uncertain significance (1 of 4 stars; one submission).

Allele frequency attached by ClinVar (database versions not stated): gnomAD 0.00001 and 0.00002; TOPMed 0.00003; ExAC 0.00006; gnomAD exomes 0.00007 and 0.00010; 1000 Genomes Project 30x 0.00016; 1000 Genomes Project 0.00020.
gnomAD v4.1: 145 of 1,613,874 alleles (0.009%); highest among the groups gnomAD compares: Non-Finnish European, 0.012%; no homozygotes.

Submission:

Labcorp Genetics (formerly Invitae), Labcorp
Classification: Uncertain significance. Last evaluated: 2022-08-23. Review status: criteria provided, single submitter. Criteria: Invitae Variant Classification Sherloc (09022015). Collection method: clinical testing. Allele origin: germline.
Comment: This sequence change replaces arginine, which is basic and polar, with tryptophan, which is neutral and slightly polar, at codon 774 of the LIG1 protein (p.Arg774Trp). This variant is present in population databases (rs201073563, gnomAD 0.01%). This variant has not been reported in the literature in individuals affected with LIG1-related conditions. ClinVar contains an entry for this variant (Variation ID: 1406618). Algorithms developed to predict the effect of missense changes on protein structure and function are either unavailable or do not agree on the potential impact of this missense change (SIFT: "Deleterious"; PolyPhen-2: "Possibly Damaging"; Align-GVGD: "Class C0"). In summary, the available evidence is currently insufficient to determine the role of this variant in disease. Therefore, it has been classified as a Variant of Uncertain Significance.

NM_000234.3(LIG1):c.2320C>T (p.Arg774Trp)

Gene: LIG1 (DNA ligase 1; minus strand). Cytogenetic location: 19q13.33.
Variant type: single nucleotide variant.
Coding change: c.2320C>T on transcript NM_000234.3 (MANE Select); coding-DNA position 2320, C replaced by T.
Protein change: p.Arg774Trp; replaces arginine 774 with tryptophan.
Molecular consequence: missense variant. On other transcripts: non-coding transcript variant (6).
Genome position (GRCh38, 1-based): chr19:48,121,235, G>A on the plus strand (C>T on the coding strand, the complement: LIG1 is on the minus strand). VCF-style: chr19-48121235-G-A. GRCh37 (hg19) VCF-style: chr19-48624492-G-A.
Other names: c.2227C>T, p.Arg743Trp (NM_001289063.2); c.2116C>T, p.Arg706Trp (NM_001289064.2); c.2317C>T, p.Arg773Trp (NM_001320970.2); c.2230C>T, p.Arg744Trp (NM_001320971.2); short protein forms R773W, R743W, R744W, R774W, R706W.
Identifiers: ClinVar variation 1406618 (VCV001406618.5), dbSNP rs201073563, ClinGen allele CA9546461.